The following is an entry in ClinVar:

NM_001077418.3(TMEM231):c.309+295C>T

Gene: TMEM231 (transmembrane protein 231; minus strand). Cytogenetic location: 16q23.1.
Variant type: single nucleotide variant.
Coding change: c.309+295C>T on transcript NM_001077418.3 (MANE Select); 295 bases into the intron after coding-DNA position 309, C replaced by T.
Molecular consequence: intron variant.
Genome position (GRCh38, 1-based): chr16:75,555,509, G>A on the plus strand (C>T on the coding strand, the complement: TMEM231 is on the minus strand). VCF-style: chr16-75555509-G-A. GRCh37 (hg19) VCF-style: chr16-75589407-G-A.
Other names: c.468+295C>T (NM_001077416.2).
Identifiers: ClinVar variation 669396 (VCV000669396.1), dbSNP rs12599212, ClinGen allele CA283890753.

ClinVar aggregate classification (germline): Benign (1 of 4 stars; one submission).

Allele frequency attached by ClinVar (database versions not stated): gnomAD 0.10512; TOPMed 0.14219; 1000 Genomes Project 30x 0.28279; 1000 Genomes Project 0.29054.
gnomAD v4.1: 49,453 of 384,178 alleles (13%); highest among the groups gnomAD compares: East Asian, 72%; 9,209 homozygotes.

Submission:

GeneDx
Classification: Benign. Last evaluated: 2018-06-14. Review status: criteria provided, single submitter. Criteria: GeneDx Variant Classification (06012015). Collection method: clinical testing. Allele origin: germline. Affected: yes.
Comment: This variant is considered likely benign or benign based on one or more of the following criteria: it is a conservative change, it occurs at a poorly conserved position in the protein, it is predicted to be benign by multiple in silico algorithms, and/or has population frequency not consistent with disease.